The following is an entry in ClinVar:

ClinVar aggregate classification (germline): Uncertain significance (1 of 4 stars; one submission).

Conditions:
Fanconi anemia (FA). Also called: Fanconi's anemia. Identifiers: Orphanet 84, MedGen C0015625, MeSH D005199, MONDO:0019391.

Submission:

Labcorp Genetics (formerly Invitae), Labcorp
Classification: Uncertain significance for Fanconi anemia. Last evaluated: 2019-03-04. Review status: criteria provided, single submitter. Criteria: Invitae Variant Classification Sherloc (09022015). Collection method: clinical testing. Allele origin: germline.
Comment: In summary, the available evidence is currently insufficient to determine the role of this variant in disease. Therefore, it has been classified as a Variant of Uncertain Significance. Algorithms developed to predict the effect of missense changes on protein structure and function (SIFT, PolyPhen-2, Align-GVGD) all suggest that this variant is likely to be tolerated, but these predictions have not been confirmed by published functional studies and their clinical significance is uncertain. This variant has not been reported in the literature in individuals with FANCI-related conditions. This variant is not present in population databases (ExAC no frequency). This sequence change replaces serine with proline at codon 489 of the FANCI protein (p.Ser489Pro). The serine residue is moderately conserved and there is a moderate physicochemical difference between serine and proline.

NM_001113378.2(FANCI):c.1465T>C (p.Ser489Pro)

Gene: FANCI (FA complementation group I; plus strand). Cytogenetic location: 15q26.1.
Variant type: single nucleotide variant.
Coding change: c.1465T>C on transcript NM_001113378.2 (MANE Select); coding-DNA position 1465, T replaced by C.
Protein change: p.Ser489Pro; replaces serine 489 with proline.
Molecular consequence: missense variant.
Genome position (GRCh38, 1-based): chr15:89,281,253, T>C. VCF-style: chr15-89281253-T-C. GRCh37 (hg19) VCF-style: chr15-89824484-T-C.
Other names: c.1186T>C, p.Ser396Pro (NM_001376910.1); c.1465T>C, p.Ser489Pro (NM_001376911.1, NM_018193.3); short protein forms S489P, S396P.
Identifiers: ClinVar variation 854423 (VCV000854423.9), dbSNP rs2053603506, ClinGen allele CA393743760.
Genomic context (GRCh38, chr15:89,281,253, plus strand): 5'-TATGCACCCTTAGTTCTTCAAAGTTGTTCTTCTAAAGTCACAGAAGCTTTTGACTATTTG[T>C]CCTTTCTGCCCCTTCAGACTGTACAAAGGCTGCTTAAGGCAGTGCAGGTAAGTCTTCAGA-3'
Protein context (NP_001106849.1, residues 479-499): SKVTEAFDYL[Ser489Pro]FLPLQTVQRL